The following is an entry in ClinVar:

NM_019066.5(MAGEL2):c.2642G>T (p.Arg881Leu)

Gene: MAGEL2 (MAGE family member L2; minus strand). Cytogenetic location: 15q11.2.
Variant type: single nucleotide variant.
Coding change: c.2642G>T on transcript NM_019066.5 (MANE Select); coding-DNA position 2642, G replaced by T.
Protein change: p.Arg881Leu; replaces arginine 881 with leucine.
Molecular consequence: missense variant.
Genome position (GRCh38, 1-based): chr15:23,645,101, C>A on the plus strand (G>T on the coding strand, the complement: MAGEL2 is on the minus strand). VCF-style: chr15-23645101-C-A. GRCh37 (hg19) VCF-style: chr15-23890248-C-A.
Other names: c.2642G>T (NM_019066.4); short protein forms R881L.
Identifiers: ClinVar variation 3257190 (VCV003257190.19).

ClinVar aggregate classification (germline): Conflicting classifications of pathogenicity. Review status: criteria provided, conflicting classifications (1 of 4 stars). 3 submissions from 3 submitters: Uncertain significance (2); Likely benign (1). Last evaluated 2025-02-04.

Conditions:
Schaaf-Yang syndrome (SHFYNG). Also called: MAGEL2-related Prader-Willi-like syndrome; Arthrogryposis, distal, with hypopituitarism, intellectual disability, and facial anomalies. Identifiers: Orphanet 398069, MedGen C5575066, MONDO:0014243, OMIM 615547.
Inborn genetic diseases. Identifiers: MedGen C0950123, MeSH D030342.

gnomAD v4.1: 6 of 1,613,732 alleles (0.00037%); highest among the groups gnomAD compares: Middle Eastern, 0.016%; no homozygotes.

Submissions (3):

Ambry Genetics
Classification: Uncertain significance for Inborn genetic diseases. Last evaluated: 2025-02-04. Review status: criteria provided, single submitter. Criteria: Ambry Variant Classification Scheme 2023. Collection method: clinical testing. Allele origin: germline.

CeGaT Center for Human Genetics Tuebingen
Classification: Uncertain significance. Last evaluated: 2024-07-01. Review status: criteria provided, single submitter. Criteria: CeGaT Center For Human Genetics Tuebingen Variant Classification Criteria Version 2. Collection method: clinical testing. Allele origin: germline. Affected: yes. Observed: 2 variant alleles.
Comment: MAGEL2: PM2, BP4

Medical Genetics Laboratory, Niloo Shiraz Laboratory
Classification: Likely benign for Schaaf-Yang syndrome. Review status: criteria provided, single submitter. Criteria: ACMG Guidelines, 2015. Collection method: clinical testing. Allele origin: germline. Inheritance: Autosomal dominant inheritance. Affected: no.
Comment: This variant shows low pathogenic potential based on bioinformatic tools: CADD_phred 11.63, REVEL 0.027, M-CAP 0.058, MutationTaster predicts non-disease-causing. Given its presence in a healthy carrier and weak in silico support, this variant is classified as likely benign.